The following is an entry in ClinVar:

NM_003356.4(UCP3):c.419T>C (p.Val140Ala)

Gene: UCP3 (uncoupling protein 3; minus strand). Cytogenetic location: 11q13.4.
Variant type: single nucleotide variant.
Coding change: c.419T>C on transcript NM_003356.4 (MANE Select); coding-DNA position 419, T replaced by C.
Protein change: p.Val140Ala; replaces valine 140 with alanine.
Molecular consequence: missense variant.
Genome position (GRCh38, 1-based): chr11:74,005,852, A>G on the plus strand (T>C on the coding strand, the complement: UCP3 is on the minus strand). VCF-style: chr11-74005852-A-G. GRCh37 (hg19) VCF-style: chr11-73716897-A-G.
Other names: c.419T>C, p.Val140Ala (NM_022803.3); short protein forms V140A.
Identifiers: ClinVar variation 4997583 (VCV004997583.1).

ClinVar aggregate classification (germline): Uncertain significance (1 of 4 stars; one submission).

Conditions:
UCP3-related disorder. Also called: UCP3-related condition.

Submission:

PreventionGenetics, part of Exact Sciences
Classification: Uncertain significance for UCP3-related condition. Last evaluated: 2025-06-20. Review status: criteria provided, single submitter. Criteria: ACMG Guidelines, 2015. Collection method: clinical testing. Allele origin: germline.
Comment: The UCP3 c.419T>C variant is predicted to result in the amino acid substitution p.Val140Ala. To our knowledge, this variant has not been reported in the literature. This variant is reported in 0.0056% of alleles in individuals of Latino descent in gnomAD. At this time, the clinical significance of this variant is uncertain due to the absence of conclusive functional and genetic evidence.